The following is an entry in ClinVar:

ClinVar aggregate classification (germline): Benign. Review status: criteria provided, multiple submitters, no conflicts (2 of 4 stars). 7 submissions from 7 submitters: Benign (6). 1 of the submissions does not count toward it. Last evaluated 2026-02-03.

Allele frequency attached by ClinVar (database versions not stated): gnomAD exomes 0.09973 and 0.11902; ESP Exome Variant Server 0.10718; gnomAD 0.11189 and 0.11193; TOPMed 0.11476; ExAC 0.11772; 1000 Genomes Project 30x 0.12523; 1000 Genomes Project 0.12680.
gnomAD v4.1: 162,477 of 1,607,866 alleles (10%); highest among the groups gnomAD compares: East Asian, 18%; 8,828 homozygotes.

Submissions (7):

Labcorp Genetics (formerly Invitae), Labcorp
Classification: Benign. Last evaluated: 2026-02-03. Review status: criteria provided, single submitter. Criteria: Invitae Variant Classification Sherloc (09022015). Collection method: clinical testing. Allele origin: germline.

Blueprint Genetics
Classification: Benign. Last evaluated: 2024-11-27. Review status: criteria provided, single submitter. Criteria: ACMG Guidelines, 2015. Collection method: clinical testing. Allele origin: germline.

Mayo Clinic Laboratories, Mayo Clinic
Classification: Benign. Last evaluated: 2022-03-09. Review status: criteria provided, single submitter. Criteria: ACMG Guidelines, 2015. Collection method: clinical testing. Allele origin: germline. Observed: 40 variant alleles.

GeneDx
Classification: Benign. Last evaluated: 2019-08-20. Review status: criteria provided, single submitter. Criteria: GeneDx Variant Classification Process June 2021. Collection method: clinical testing. Allele origin: germline. Affected: yes.

Athena Diagnostics
Classification: Benign. Last evaluated: 2017-04-20. Review status: criteria provided, single submitter. Criteria: Athena Diagnostics Criteria. Collection method: clinical testing. Allele origin: germline.

Breakthrough Genomics
Classification: Benign. Review status: criteria provided, single submitter. Criteria: ACMG Guidelines, 2015. Collection method: not provided. Allele origin: germline. Inheritance: Autosomal recessive inheritance. Affected: yes.

Genetic Services Laboratory, University of Chicago
Classification: Likely benign for AllHighlyPenetrant. Review status: no assertion criteria provided. Collection method: clinical testing. Allele origin: germline. Inheritance: Autosomal dominant inheritance. Not counted in ClinVar's aggregate classification.
Comment: Likely benign based on allele frequency in 1000 Genomes Project or ESP global frequency and its presence in a patient with a rare or unrelated disease phenotype. NOT Sanger confirmed.

NM_012301.4(MAGI2):c.2784T>C (p.Asn928=)

Gene: MAGI2 (membrane associated guanylate kinase, WW and PDZ domain containing 2; minus strand). Cytogenetic location: 7q21.11.
Variant type: single nucleotide variant.
Coding change: c.2784T>C on transcript NM_012301.4 (MANE Select); coding-DNA position 2784, T replaced by C.
Protein change: p.Asn928=; no amino-acid change (asparagine 928 retained).
Molecular consequence: synonymous variant.
Genome position (GRCh38, 1-based): chr7:78,160,086, A>G on the plus strand (T>C on the coding strand, the complement: MAGI2 is on the minus strand). VCF-style: chr7-78160086-A-G. GRCh37 (hg19) VCF-style: chr7-77789403-A-G.
Other names: p.Asn928=; c.2742T>C, p.Asn914= (NM_001301128.2).
Identifiers: ClinVar variation 129563 (VCV000129563.19), dbSNP rs1009524, ClinGen allele CA153638.